The following is an entry in ClinVar:

ClinVar aggregate classification (germline): Benign. Review status: criteria provided, multiple submitters, no conflicts (2 of 4 stars). 12 submissions from 12 submitters: Benign (11). 1 of the submissions does not count toward it. Last evaluated 2026-02-04.

Conditions:
Autosomal dominant polycystic kidney disease. Identifiers: Orphanet 730, MedGen C0085413, MONDO:0004691.
Polycystic kidney disease 2 (PKD2). Also called: Polycystic Kidney Disease 2, Autosomal Dominant; POLYCYSTIC KIDNEY DISEASE, ADULT, TYPE II; POLYCYSTIC KIDNEY DISEASE 2 WITH OR WITHOUT POLYCYSTIC LIVER DISEASE. Identifiers: MedGen C2751306, MONDO:0013131, OMIM 613095.
Polycystic kidney disease. Also called: Polycystic kidney dysplasia; Kidney, Polycystic. Identifiers: MedGen C0022680, MeSH D007690, MONDO:0020642, HP:0000113.

Allele frequency attached by ClinVar (database versions not stated): ExAC 0.15385; TOPMed 0.21433; gnomAD exomes 0.37664; 1000 Genomes Project 0.14457; 1000 Genomes Project 30x 0.14928; gnomAD 0.23760 and 0.23313.
gnomAD v4.1: 352,260 of 1,173,158 alleles (30%); highest among the groups gnomAD compares: Non-Finnish European, 33%; 56,509 homozygotes.

Submissions (12):

Labcorp Genetics (formerly Invitae), Labcorp
Classification: Benign for Autosomal dominant polycystic kidney disease. Last evaluated: 2026-02-04. Review status: criteria provided, single submitter. Criteria: Invitae Variant Classification Sherloc (09022015). Collection method: clinical testing. Allele origin: germline.

Blueprint Genetics
Classification: Benign. Last evaluated: 2024-11-26. Review status: criteria provided, single submitter. Criteria: ACMG Guidelines, 2015. Collection method: clinical testing. Allele origin: germline.

Athena Diagnostics
Classification: Benign. Last evaluated: 2024-06-20. Review status: criteria provided, single submitter. Criteria: Athena Diagnostics Criteria. Collection method: clinical testing. Allele origin: unknown.

Mayo Clinic Laboratories, Mayo Clinic
Classification: Benign. Last evaluated: 2022-03-09. Review status: criteria provided, single submitter. Criteria: ACMG Guidelines, 2015. Collection method: clinical testing. Allele origin: germline. Observed: 162 variant alleles.

ARUP Laboratories, Molecular Genetics and Genomics, ARUP Laboratories
Classification: Benign for Polycystic kidney disease 2. Last evaluated: 2020-07-07. Review status: criteria provided, single submitter. Criteria: ARUP Molecular Germline Variant Investigation Process. Collection method: clinical testing. Allele origin: germline.

GeneDx
Classification: Benign. Last evaluated: 2019-08-21. Review status: criteria provided, single submitter. Criteria: GeneDx Variant Classification Process June 2021. Collection method: clinical testing. Allele origin: germline. Affected: yes.

Molecular Genetics of Inherited Kidney Disorders Laboratory, Garvan Institute of Medical Research
Classification: Benign for Autosomal dominant polycystic kidney disease. Last evaluated: 2019-01-01. Review status: criteria provided, single submitter. Criteria: ACMG Guidelines, 2015. Collection method: research. Allele origin: germline. Affected: yes.

Illumina Laboratory Services, Illumina
Classification: Benign for Polycystic kidney disease 2. Last evaluated: 2018-01-12. Review status: criteria provided, single submitter. Criteria: ICSL Variant Classification Criteria 13 December 2019. Collection method: clinical testing. Allele origin: germline.
Comment: This variant was observed in the ICSL laboratory as part of a predisposition screen in an ostensibly healthy population. It had not been previously curated by ICSL or reported in the Human Gene Mutation Database (HGMD: prior to June 1st, 2018), and was therefore a candidate for classification through an automated scoring system. Utilizing variant allele frequency, disease prevalence and penetrance estimates, and inheritance mode, an automated score was calculated to assess if this variant is too frequent to cause the disease. Based on the score and internal cut-off values, a variant classified as benign is not then subjected to further curation. The score for this variant resulted in a classification of benign for this disease.

Eurofins Ntd Llc (ga)
Classification: Benign. Last evaluated: 2016-03-16. Review status: criteria provided, single submitter. Criteria: EGL Classification Definitions 2015. Collection method: clinical testing. Allele origin: germline. Observed: 84 variant alleles, 68 heterozygotes, 16 homozygotes.

Breakthrough Genomics
Classification: Benign. Review status: criteria provided, single submitter. Criteria: ACMG Guidelines, 2015. Collection method: not provided. Allele origin: germline. Inheritance: Autosomal dominant inheritance. Affected: yes.

PreventionGenetics, part of Exact Sciences
Classification: Benign. Review status: criteria provided, single submitter. Criteria: ACMG Guidelines, 2015. Collection method: clinical testing. Allele origin: germline.

Department of Pathology and Laboratory Medicine, Sinai Health System
Classification: Benign for Polycystic Kidney disease. Review status: no assertion criteria provided. Collection method: clinical testing. Allele origin: unknown. Affected: yes. Study: The Canadian Open Genetics Repository (COGR). Not counted in ClinVar's aggregate classification.
Comment: The PKD2 p.Arg28Pro variant was identified in 2 of 126 proband chromosomes (frequency: 0.016) from Slovenian and French individuals or families with ADPKD (Vouk 2006, Bataille 2011). The variant was also identified as a polymorphism in Czech families with ADPKD, with frequency not specified (Reiterova 2002, Stekrova 2004). In a European study, screening the variant in 15 affected individuals and 25 unaffected individuals, yielded a heterozygosity of 0.49, or no difference in frequency between the two groups (Torra 1999). In another study, the variant was found to co-occur with a pathogenic PKD2 variant (c.196_199dup, p.P67fsX26) in 1 affected patient, increasing the likelihood that the p.Arg28Pro variant does not have clinical significance (Tan 2009). The variant was also identified in dbSNP (ID: rs1805044) as â€šÃ„ÃºWith benign alleleâ€šÃ„Ã¹, 1000 Genomes Project in 724 of 5007 chromosomes (frequency: 0.1446), the Exome Aggregation Consortium database (March 14, 2016) in 12 of 78 chromosomes (frequency: 0.1538) or 12 alleles (1 homozygote) from a population of South Asian individuals and none from European (Non-Finnish), East Asian, Other, African, Latino, or European (Finnish) individuals. The variant was identified in Clinvitae and the ClinVar database (classified as benign by Emory Genetics), and the ADPKD Mutation Database (classification likey neutral). The p.Arg28 residue is conserved in mammals and computational analyses (PolyPhen-2, SIFT, AlignGVGD, BLOSUM, MutationTaster) provide inconsistent predictions regarding the impact to the protein; this information is not very predictive of pathogenicity. In summary, based on the above information, this variant meets our laboratory criteria to be classified as benign.

Literature cited by the submitters: PubMed 27165007 (cited by Athena Diagnostics); PubMed 10411676 (cited by Athena Diagnostics); PubMed 18837007 (cited by Athena Diagnostics); PubMed 11967008 (cited by Athena Diagnostics); PubMed 11968093 (cited by Athena Diagnostics); PubMed 17303584 (cited by Athena Diagnostics); PubMed 9949210 (cited by Athena Diagnostics); PubMed 26950445 (cited by Athena Diagnostics); PubMed 10417277 (cited by Athena Diagnostics); PubMed 24374109 (cited by Athena Diagnostics); PubMed 16430766 (cited by Athena Diagnostics); PubMed 22008521 (cited by Athena Diagnostics); PubMed 14993477 (cited by Athena Diagnostics); PubMed 11007674 (cited by Athena Diagnostics); PubMed 10655555 (cited by Athena Diagnostics).

NM_000297.4(PKD2):c.83G>C (p.Arg28Pro)

Genes: PKD2 (polycystin 2, transient receptor potential cation channel; plus strand), LOC129992813 (ATAC-STARR-seq lymphoblastoid silent region 15559; plus strand). Cytogenetic location: 4q22.1.
Variant type: single nucleotide variant.
Coding change: c.83G>C on transcript NM_000297.4 (MANE Select); coding-DNA position 83, G replaced by C.
Protein change: p.Arg28Pro; replaces arginine 28 with proline.
Molecular consequence: missense variant. On other transcripts: non-coding transcript variant (1).
Genome position (GRCh38, 1-based): chr4:88,007,816, G>C. VCF-style: chr4-88007816-G-C. GRCh37 (hg19) VCF-style: chr4-88928968-G-C.
Other names: short protein forms R28P.
Identifiers: ClinVar variation 92798 (VCV000092798.34), dbSNP rs1805044, ClinGen allele CA146023.